The following is an entry in ClinVar:

ClinVar aggregate classification (germline): Uncertain significance (1 of 4 stars; one submission).

Conditions:
Dextro-looped transposition of the great arteries. Also called: Dextrotransposition of the great arteries. Identifiers: Orphanet 860, MedGen C3531771, MONDO:0019443, OMIM 608808, HP:0031348.

Submission:

Labcorp Genetics (formerly Invitae), Labcorp
Classification: Uncertain significance for Dextro-looped transposition of the great arteries. Last evaluated: 2023-04-09. Review status: criteria provided, single submitter. Criteria: Invitae Variant Classification Sherloc (09022015). Collection method: clinical testing. Allele origin: germline.
Comment: This variant has not been reported in the literature in individuals affected with MED13L-related conditions. Advanced modeling of protein sequence and biophysical properties (such as structural, functional, and spatial information, amino acid conservation, physicochemical variation, residue mobility, and thermodynamic stability) performed at Invitae indicates that this missense variant is not expected to disrupt MED13L protein function. In summary, the available evidence is currently insufficient to determine the role of this variant in disease. Therefore, it has been classified as a Variant of Uncertain Significance. This sequence change replaces serine, which is neutral and polar, with tyrosine, which is neutral and polar, at codon 424 of the MED13L protein (p.Ser424Tyr). This variant is not present in population databases (gnomAD no frequency).

NM_015335.5(MED13L):c.1271C>A (p.Ser424Tyr)

Gene: MED13L (mediator complex subunit 13L; minus strand). Cytogenetic location: 12q24.21.
Variant type: single nucleotide variant.
Coding change: c.1271C>A on transcript NM_015335.5 (MANE Select); coding-DNA position 1271, C replaced by A.
Protein change: p.Ser424Tyr; replaces serine 424 with tyrosine.
Molecular consequence: missense variant.
Genome position (GRCh38, 1-based): chr12:116,012,806, G>T on the plus strand (C>A on the coding strand, the complement: MED13L is on the minus strand). VCF-style: chr12-116012806-G-T. GRCh37 (hg19) VCF-style: chr12-116450611-G-T.
Other names: short protein forms S424Y.
Identifiers: ClinVar variation 2954596 (VCV002954596.3), dbSNP rs1272102782, ClinGen allele CA386898187.